The following is an entry in ClinVar:

ClinVar aggregate classification (germline): Uncertain significance (1 of 4 stars; one submission).

Conditions:
PKD1-related disorder. Also called: PKD1-related condition.

Submission:

PreventionGenetics, part of Exact Sciences
Classification: Uncertain significance for PKD1-related condition. Last evaluated: 2026-05-13. Review status: criteria provided, single submitter. Criteria: ACMG Guidelines, 2015. Collection method: clinical testing. Allele origin: germline.
Comment: The PKD1 c.10927G>A variant is predicted to result in the amino acid substitution p.Val3643Met. This variant was reported in an individual with polycystic kidney disease (Table S6, Hwang et al. 2016. PubMed ID: 26453610). This variant has not been reported in a large population database (gnomAD), indicating this variant is rare. At this time, the clinical significance of this variant is uncertain due to the absence of conclusive functional and genetic evidence.

NM_001009944.3(PKD1):c.10927G>A (p.Val3643Met)

Genes: PKD1 (polycystin 1, transient receptor potential channel interacting; minus strand), PKD1-AS1 (PKD1 antisense RNA 1; plus strand). Cytogenetic location: 16p13.3.
Variant type: single nucleotide variant.
Coding change: c.10927G>A on transcript NM_001009944.3 (MANE Select); coding-DNA position 10927, G replaced by A.
Protein change: p.Val3643Met; replaces valine 3643 with methionine.
Molecular consequence: missense variant.
Genome position (GRCh38, 1-based): chr16:2,093,633, C>T on the plus strand (G>A on the coding strand, the complement: PKD1 is on the minus strand). VCF-style: chr16-2093633-C-T. GRCh37 (hg19) VCF-style: chr16-2143634-C-T.
Other names: c.10924G>A, p.Val3642Met (NM_000296.4); short protein forms V3643M, V3642M.
Identifiers: ClinVar variation 5002033 (VCV005002033.1).